The following is an entry in ClinVar:

NM_006186.4(NR4A2):c.657T>C (p.Ala219=)

Gene: NR4A2 (nuclear receptor subfamily 4 group A member 2; minus strand). Cytogenetic location: 2q24.1.
Variant type: single nucleotide variant.
Coding change: c.657T>C on transcript NM_006186.4 (MANE Select); coding-DNA position 657, T replaced by C.
Protein change: p.Ala219=; no amino-acid change (alanine 219 retained).
Molecular consequence: synonymous variant.
Genome position (GRCh38, 1-based): chr2:156,329,530, A>G on the plus strand (T>C on the coding strand, the complement: NR4A2 is on the minus strand). VCF-style: chr2-156329530-A-G. GRCh37 (hg19) VCF-style: chr2-157186042-A-G.
Other names: c.468T>C, p.Ala156= (NM_173173.3).
Identifiers: ClinVar variation 331662 (VCV000331662.29), dbSNP rs769677341, ClinGen allele CA1916405.
Genomic context (GRCh38, chr2:156,329,530, plus strand): 5'-GTGGCCGATCTGCAGGCCCGGGAAGCCCATGGACGCGGGCTTGCGAATGGGGTTGGGCAC[A>G]GCGAAGGTCTGCCCGTCCACCACGTGGTGGCTGCCGGCGGGCTCCGGGTTCATGGGGACG-3'
Protein context (NP_006177.1, residues 209-229): SHHVVDGQTF[Ala219=]VPNPIRKPAS

ClinVar aggregate classification (germline): Conflicting classifications of pathogenicity. Review status: criteria provided, conflicting classifications (1 of 4 stars). 2 submissions from 2 submitters: Uncertain significance (1); Likely benign (1). Last evaluated 2022-10-01.

Conditions:
Parkinson disease, late-onset (PD). Also called: Susceptibility to Parkinson's Disease; Hereditary late onset Parkinson disease; PARKINSON DISEASE, LATE-ONSET, SUSCEPTIBILITY TO. Identifiers: Orphanet 411602, MedGen C3160718, MONDO:0008199, OMIM 168600.

Allele frequency attached by ClinVar (database versions not stated): gnomAD exomes 0.00004 and 0.00005; gnomAD 0.00006; TOPMed 0.00006; ExAC 0.00007.

Submissions (2):

CeGaT Center for Human Genetics Tuebingen
Classification: Likely benign. Last evaluated: 2022-10-01. Review status: criteria provided, single submitter. Criteria: CeGaT Center For Human Genetics Tuebingen Variant Classification Criteria Version 2. Collection method: clinical testing. Allele origin: germline. Affected: yes. Observed: 1 variant allele.
Comment: NR4A2: BP4, BP7

Illumina Laboratory Services, Illumina
Classification: Uncertain significance for Parkinson disease, late-onset. Last evaluated: 2018-01-13. Review status: criteria provided, single submitter. Criteria: ICSL Variant Classification Criteria 13 December 2019. Collection method: clinical testing. Allele origin: germline.